The following is an entry in ClinVar:

ClinVar aggregate classification (germline): Conflicting classifications of pathogenicity. Review status: criteria provided, conflicting classifications (1 of 4 stars). 10 submissions from 10 submitters: Uncertain significance (2); Benign (2); Likely benign (4). 2 of the submissions do not count toward it. Last evaluated 2026-03-24.

Conditions:
EXT2-related disorder. Also called: EXT2-related condition.
Exostoses, multiple, type 2 (EXT2). Also called: EXOSTOSES, MULTIPLE, TYPE II; Hereditary Multiple Osteochondromatosis, Type II. Identifiers: Orphanet 321, MedGen C1851413, MONDO:0007586, OMIM 133701.

Allele frequency attached by ClinVar (database versions not stated): TOPMed 0.00026; ESP Exome Variant Server 0.00069.

Submissions (10):

Dasa
Classification: Likely benign. Last evaluated: 2026-03-24. Review status: criteria provided, single submitter. Criteria: DASA Assertion Criteria. Collection method: clinical testing. Allele origin: germline.
Comment: NM_207122.2(EXT2):c.520A>C (p.Met174Leu) is a missense variant that results in the substitution of methionine with leucine. Population frequency is inconsistent with a disease-causing role for this variant. Computational prediction algorithms are consistent with a benign effect. Therefore, based on the currently available evidence, this variant is classified as likely benign.

Labcorp Genetics (formerly Invitae), Labcorp
Classification: Likely benign for Exostoses, multiple, type 2. Last evaluated: 2026-01-27. Review status: criteria provided, single submitter. Criteria: Invitae Variant Classification Sherloc (09022015). Collection method: clinical testing. Allele origin: germline.

Laboratory of Genetics, Children's Clinical University Hospital Latvia
Classification: Likely benign. Last evaluated: 2025-02-16. Review status: criteria provided, single submitter. Criteria: ACMG Guidelines, 2015. Collection method: clinical testing. Allele origin: germline. Affected: yes.

Blueprint Genetics
Classification: Likely benign. Last evaluated: 2024-10-30. Review status: criteria provided, single submitter. Criteria: ACMG Guidelines, 2015. Collection method: clinical testing. Allele origin: germline.

GeneDx
Classification: Uncertain significance. Last evaluated: 2024-07-09. Review status: criteria provided, single submitter. Criteria: GeneDx Variant Classification Process June 2021. Collection method: clinical testing. Allele origin: germline. Affected: yes.
Comment: In silico analysis indicates that this missense variant does not alter protein structure/function; Has not been previously published as a pathogenic or benign germline variant to our knowledge; This variant is associated with the following publications: (PMID: 32075053)

Institute for Clinical Genetics, University Hospital TU Dresden, University Hospital TU Dresden
Classification: Uncertain significance. Last evaluated: 2021-11-03. Review status: criteria provided, single submitter. Criteria: ACMG Guidelines, 2015. Collection method: clinical testing. Allele origin: germline.

Illumina Laboratory Services, Illumina
Classification: Benign for Exostoses, multiple, type 2. Last evaluated: 2018-01-12. Review status: criteria provided, single submitter. Criteria: ICSL Variant Classification Criteria 13 December 2019. Collection method: clinical testing. Allele origin: germline.
Comment: This variant was observed in the ICSL laboratory as part of a predisposition screen in an ostensibly healthy population. It had not been previously curated by ICSL or reported in the Human Gene Mutation Database (HGMD: prior to June 1st, 2018), and was therefore a candidate for classification through an automated scoring system. Utilizing variant allele frequency, disease prevalence and penetrance estimates, and inheritance mode, an automated score was calculated to assess if this variant is too frequent to cause the disease. Based on the score and internal cut-off values, a variant classified as benign is not then subjected to further curation. The score for this variant resulted in a classification of benign for this disease.

Eurofins Ntd Llc (ga)
Classification: Benign. Last evaluated: 2016-03-31. Review status: criteria provided, single submitter. Criteria: EGL Classification Definitions 2015. Collection method: clinical testing. Allele origin: germline. Observed: 1 variant allele, 1 heterozygote.

PreventionGenetics, part of Exact Sciences
Classification: Likely benign for EXT2-related condition. Last evaluated: 2023-06-15. Review status: no assertion criteria provided. Collection method: clinical testing. Allele origin: germline. Not counted in ClinVar's aggregate classification.
Comment: This variant is classified as likely benign based on ACMG/AMP sequence variant interpretation guidelines (Richards et al. 2015 PMID: 25741868, with internal and published modifications).

ITMI
No classification provided. Condition: AllHighlyPenetrant. Last evaluated: 2013-09-19. Review status: no classification provided. Collection method: reference population. Allele origin: germline. Not counted in ClinVar's aggregate classification.
Comment: Please see associated publication for description of ethnicities

Literature cited by the submitters: PubMed 24728327 (cited by ITMI).

NM_207122.2(EXT2):c.520A>C (p.Met174Leu)

Gene: EXT2 (exostosin glycosyltransferase 2; plus strand). Cytogenetic location: 11p11.2.
Variant type: single nucleotide variant.
Coding change: c.520A>C on transcript NM_207122.2 (MANE Select); coding-DNA position 520, A replaced by C.
Protein change: p.Met174Leu; replaces methionine 174 with leucine.
Molecular consequence: missense variant.
Genome position (GRCh38, 1-based): chr11:44,108,232, A>C. VCF-style: chr11-44108232-A-C. GRCh37 (hg19) VCF-style: chr11-44129782-A-C.
Other names: c.619A>C, p.Met207Leu (NM_000401.3); c.520A>C, p.Met174Leu (NM_001178083.3, NM_001389628.1, NM_001389630.1); short protein forms M174L, M207L.
Identifiers: ClinVar variation 134208 (VCV000134208.29), dbSNP rs111589746, ClinGen allele CA159131.